The following is an entry in ClinVar:

NM_002838.5(PTPRC):c.1062T>G (p.Ile354Met)

Gene: PTPRC (protein tyrosine phosphatase receptor type C; plus strand). Cytogenetic location: 1q32.1.
Variant type: single nucleotide variant.
Coding change: c.1062T>G on transcript NM_002838.5 (MANE Select); coding-DNA position 1062, T replaced by G.
Protein change: p.Ile354Met; replaces isoleucine 354 with methionine.
Molecular consequence: missense variant.
Genome position (GRCh38, 1-based): chr1:198,709,715, T>G. VCF-style: chr1-198709715-T-G. GRCh37 (hg19) VCF-style: chr1-198678844-T-G.
Other names: c.579T>G, p.Ile193Met (NM_080921.4); short protein forms I354M, I193M.
Identifiers: ClinVar variation 579996 (VCV000579996.6), dbSNP rs1558013560, ClinGen allele CA344034958.

ClinVar aggregate classification (germline): Uncertain significance (1 of 4 stars; one submission).

Conditions:
Immunodeficiency 104. Also called: Severe Combined Immune Deficiency, Autosomal Recessive, TCell -Negative, B Cell-Positive, NK Cell-Positive, IL7R-Related; Severe combined immunodeficiency, autosomal recessive, T cell-negative, B cell-positive, NK cell-positive; SCID, AUTOSOMAL RECESSIVE, T CELL-NEGATIVE, B CELL-POSITIVE, NK CELL-POSITIVE; IMMUNODEFICIENCY 104, SEVERE COMBINED. Identifiers: MedGen C5676890, MONDO:0012163, OMIM 608971.

Allele frequency attached by ClinVar (database versions not stated): gnomAD exomes below 0.00001; TOPMed below 0.00001.
gnomAD v4.1: 1 of 1,595,696 alleles (0.000063%); highest among the groups gnomAD compares: Admixed American, 0.0017%; no homozygotes.

Submission:

Labcorp Genetics (formerly Invitae), Labcorp
Classification: Uncertain significance for Immunodeficiency 104. Last evaluated: 2022-07-21. Review status: criteria provided, single submitter. Criteria: Invitae Variant Classification Sherloc (09022015). Collection method: clinical testing. Allele origin: germline.
Comment: This sequence change replaces isoleucine, which is neutral and non-polar, with methionine, which is neutral and non-polar, at codon 354 of the PTPRC protein (p.Ile354Met). This variant is not present in population databases (gnomAD no frequency). This variant has not been reported in the literature in individuals affected with PTPRC-related conditions. ClinVar contains an entry for this variant (Variation ID: 579996). Algorithms developed to predict the effect of missense changes on protein structure and function (SIFT, PolyPhen-2, Align-GVGD) all suggest that this variant is likely to be tolerated. In summary, the available evidence is currently insufficient to determine the role of this variant in disease. Therefore, it has been classified as a Variant of Uncertain Significance.